The following is an entry in ClinVar:

NM_005247.4(FGF3):c.106T>C (p.Tyr36His)

Genes: FGF3 (fibroblast growth factor 3; minus strand), LOC109115964 (FGF3 5' regulatory region; plus strand). Cytogenetic location: 11q13.3.
Variant type: single nucleotide variant.
Coding change: c.106T>C on transcript NM_005247.4 (MANE Select); coding-DNA position 106, T replaced by C.
Protein change: p.Tyr36His; replaces tyrosine 36 with histidine.
Molecular consequence: missense variant.
Genome position (GRCh38, 1-based): chr11:69,818,828, A>G on the plus strand (T>C on the coding strand, the complement: FGF3 is on the minus strand). VCF-style: chr11-69818828-A-G. GRCh37 (hg19) VCF-style: chr11-69633596-A-G.
Other names: short protein forms Y36H.
Identifiers: ClinVar variation 3377204 (VCV003377204.1).

ClinVar aggregate classification (germline): Uncertain significance (1 of 4 stars; one submission).

Conditions:
Deafness with labyrinthine aplasia, microtia, and microdontia. Also called: DEAFNESS WITH LAMM; DEAFNESS, CONGENITAL, WITH LABYRINTHINE APLASIA, MICROTIA, AND MICRODONTIA; Congenital Deafness with Inner Ear Agenesis, Microtia, and Microdontia. Identifiers: Orphanet 90024, MedGen C1853144, MONDO:0012541, OMIM 610706.

gnomAD v4.1: 16 of 1,484,158 alleles (0.0011%); highest among the groups gnomAD compares: Non-Finnish European, 0.0014%; no homozygotes.

Submission:

Victorian Clinical Genetics Services, Murdoch Childrens Research Institute
Classification: Uncertain significance for Deafness with labyrinthine aplasia, microtia, and microdontia. Last evaluated: 2024-10-09. Review status: criteria provided, single submitter. Criteria: ACMG Guidelines, 2015. Collection method: clinical testing. Allele origin: germline. Inheritance: Autosomal recessive inheritance. Affected: yes.
Comment: Based on the classification scheme VCGS_Germline_v1.3.4, this variant is classified as VUS-3A. Following criteria are met: 0102 - Loss of function is a known mechanism of disease in this gene and is associated with deafness, congenital with inner ear agenesis, microtia, and microdontia (MIM#610706). (I) 0106 - This gene is associated with autosomal recessive disease. (I) 0200 - Variant is predicted to result in a missense amino acid change from tyrosine to histidine. (I) 0251 - This variant is heterozygous. (I) 0301 - Variant is absent from gnomAD (both v2 and v3). (SP) 0502 - Missense variant with conflicting in silico predictions and uninformative conservation. (I) 0604 - Variant is not located in an established domain, motif, hotspot or informative constraint region. (I) 0705 - No comparable missense variants have previous evidence for pathogenicity. (I) 0807 - This variant has no previous evidence of pathogenicity. (I) 0905 - No published segregation evidence has been identified for this variant. (I) 1007 - No published functional evidence has been identified for this variant. (I) 1208 - Inheritance information for this variant is not currently available in this individual. (I) Legend: (SP) - Supporting pathogenic, (I) - Information, (SB) - Supporting benign